The following is an entry in ClinVar:

ClinVar aggregate classification (germline): Conflicting classifications of pathogenicity. Review status: criteria provided, conflicting classifications (1 of 4 stars). 3 submissions from 3 submitters: Likely pathogenic (1); Uncertain significance (2). Last evaluated 2025-07-08.

Conditions:
UDPglucose-4-epimerase deficiency. Also called: GALACTOSEMIA III; GALE DEFICIENCY; Epimerase Deficiency Galactosemia; Galactose epimerase deficiency; UDP-GALACTOSE-4-EPIMERASE DEFICIENCY; UDPglucose 4-Epimerase Deficiency Disease. Identifiers: Orphanet 352, Orphanet 79238, MedGen C0751161, MONDO:0009257, OMIM 230350.

Submissions (3):

Women's Health and Genetics/Laboratory Corporation of America, LabCorp
Classification: Uncertain significance. Last evaluated: 2025-07-08. Review status: criteria provided, single submitter. Criteria: LabCorp Variant Classification Summary - May 2015. Collection method: clinical testing. Allele origin: germline.
Comment: Variant summary: GALE c.988+5G>A alters a conserved nucleotide located close to a canonical splice site and therefore could affect mRNA splicing, leading to a significantly altered protein sequence. Several computational tools predict a significant impact on normal splicing: Three predict the variant abolishes a canonical 5' splicing donor site. However, these predictions have yet to be confirmed by functional studies. The variant was absent in 251188 control chromosomes. The available data on variant occurrences in the general population are insufficient to allow any conclusion about variant significance. To our knowledge, no occurrence of c.988+5G>A in individuals affected with UDPglucose-4-Epimerase Deficiency and no experimental evidence demonstrating its impact on protein function have been reported. ClinVar contains an entry for this variant (Variation ID: 1303817). Based on the evidence outlined above, the variant was classified as uncertain significance.

GeneDx
Classification: Likely pathogenic. Last evaluated: 2024-12-31. Review status: criteria provided, single submitter. Criteria: GeneDx Variant Classification Process June 2021. Collection method: clinical testing. Allele origin: germline. Affected: yes.
Comment: Intronic variant directly or indirectly altering the +5 splice site in a gene for which loss of function is a known mechanism of disease, and splice predictors support a deleterious effect; Not observed at significant frequency in large population cohorts (gnomAD); Has not been previously published as pathogenic or benign to our knowledge

Labcorp Genetics (formerly Invitae), Labcorp
Classification: Uncertain significance for UDPglucose-4-epimerase deficiency. Last evaluated: 2022-07-19. Review status: criteria provided, single submitter. Criteria: Invitae Variant Classification Sherloc (09022015). Collection method: clinical testing. Allele origin: germline.
Comment: This sequence change falls in intron 11 of the GALE gene. It does not directly change the encoded amino acid sequence of the GALE protein. It affects a nucleotide within the consensus splice site. This variant is not present in population databases (gnomAD no frequency). This variant has not been reported in the literature in individuals affected with GALE-related conditions. ClinVar contains an entry for this variant (Variation ID: 1303817). Variants that disrupt the consensus splice site are a relatively common cause of aberrant splicing (PMID: 17576681, 9536098). Algorithms developed to predict the effect of sequence changes on RNA splicing suggest that this variant may disrupt the consensus splice site. In summary, the available evidence is currently insufficient to determine the role of this variant in disease. Therefore, it has been classified as a Variant of Uncertain Significance.

Literature cited by the submitters: PubMed 17576681 (cited by Labcorp Genetics (formerly Invitae), Labcorp); PubMed 9536098 (cited by Labcorp Genetics (formerly Invitae), Labcorp).

NM_001008216.2(GALE):c.988+5G>A

Gene: GALE (UDP-galactose-4-epimerase; minus strand). Cytogenetic location: 1p36.11.
Variant type: single nucleotide variant.
Coding change: c.988+5G>A on transcript NM_001008216.2 (MANE Select); 5 bases into the intron after coding-DNA position 988, G replaced by A.
Molecular consequence: intron variant.
Genome position (GRCh38, 1-based): chr1:23,796,146, C>T on the plus strand (G>A on the coding strand, the complement: GALE is on the minus strand). VCF-style: chr1-23796146-C-T. GRCh37 (hg19) VCF-style: chr1-24122636-C-T.
Other names: c.988+5G>A (NM_000403.4, NM_001127621.2).
Identifiers: ClinVar variation 1303817 (VCV001303817.6), dbSNP rs1035870470, ClinGen allele CA19276999.